The following is an entry in ClinVar:

NC_000016.9:g.(?_56911969)_(56913581_?)del

Gene: SLC12A3 (solute carrier family 12 member 3; plus strand). Cytogenetic location: 16q13.
Variant type: Deletion.
Identifiers: ClinVar variation 3243578 (VCV003243578.1).

ClinVar aggregate classification (germline): Pathogenic (1 of 4 stars; one submission).

Submission:

Labcorp Genetics (formerly Invitae), Labcorp
Classification: Pathogenic. Last evaluated: 2023-05-21. Review status: criteria provided, single submitter. Criteria: Invitae Variant Classification Sherloc (09022015). Collection method: clinical testing. Allele origin: unknown.
Comment: This variant is a gross deletion of the genomic region encompassing exon(s) 9-11 of the SLC12A3 gene. This variant would be expected to be in-frame, preserving the integrity of the reading frame. For these reasons, this variant has been classified as Pathogenic. This variant disrupts a region of the SLC12A3 protein in which other variant(s) (p.Thr382Met) have been determined to be pathogenic (PMID: 18391953, 21753071, 23328711, 25838649, 26825084). This suggests that this is a clinically significant region of the protein, and that variants that disrupt it are likely to be disease-causing. This variant has not been reported in the literature in individuals affected with SLC12A3-related conditions.

Literature cited by the submitters: PubMed 18391953; PubMed 21753071; PubMed 23328711; PubMed 25838649; PubMed 26825084.